The following is an entry in ClinVar:

ClinVar aggregate classification (germline): Uncertain significance (1 of 4 stars; one submission).

Conditions:
Inborn genetic diseases. Identifiers: MedGen C0950123, MeSH D030342.

gnomAD v4.1: 1 of 1,611,488 alleles (0.000062%); highest among the groups gnomAD compares: Non-Finnish European, 0.000085%; no homozygotes.

Submission:

Ambry Genetics
Classification: Uncertain significance for Inborn genetic diseases. Last evaluated: 2026-02-27. Review status: criteria provided, single submitter. Criteria: Ambry Variant Classification Scheme 2023. Collection method: clinical testing. Allele origin: germline.
Comment: The c.665T>C (p.I222T) alteration is located in exon 7 (coding exon 5) of the RERE gene. This alteration results from a T to C substitution at nucleotide position 665, causing the isoleucine (I) at amino acid position 222 to be replaced by a threonine (T). Based on data from gnomAD, the C allele has an overall frequency of <0.001% (1/251422) total alleles studied. The highest observed frequency was 0.001% (1/113720) of European (non-Finnish) alleles. Based on insufficient or conflicting evidence, the clinical significance of this alteration remains unclear.

NM_001042681.2(RERE):c.665T>C (p.Ile222Thr)

Gene: RERE (arginine-glutamic acid dipeptide repeats; minus strand). Cytogenetic location: 1p36.23.
Variant type: single nucleotide variant.
Coding change: c.665T>C on transcript NM_001042681.2 (MANE Select); coding-DNA position 665, T replaced by C.
Protein change: p.Ile222Thr; replaces isoleucine 222 with threonine.
Molecular consequence: missense variant.
Genome position (GRCh38, 1-based): chr1:8,556,535, A>G on the plus strand (T>C on the coding strand, the complement: RERE is on the minus strand). VCF-style: chr1-8556535-A-G. GRCh37 (hg19) VCF-style: chr1-8616594-A-G.
Other names: c.665T>C, p.Ile222Thr (NM_012102.4); short protein forms I222T.
Identifiers: ClinVar variation 4840683 (VCV004840683.1).